The following is an entry in ClinVar:

ClinVar aggregate classification (germline): Uncertain significance. Review status: criteria provided, multiple submitters, no conflicts (2 of 4 stars). 2 submissions from 2 submitters: Uncertain significance (2). Last evaluated 2022-07-06.

Conditions:
DK1-congenital disorder of glycosylation. Also called: CONGENITAL DISORDER OF GLYCOSYLATION, TYPE Im; CDG Im; DK1-CDG; DK1 DEFICIENCY; DOLICHOL KINASE DEFICIENCY; DOLK-congenital disorder of glycosylation. Identifiers: Orphanet 91131, MedGen C1835849, MONDO:0012556, OMIM 610768.
Cardiovascular phenotype. Identifiers: MedGen CN230736.

Allele frequency attached by ClinVar (database versions not stated): gnomAD exomes below 0.00001; ExAC 0.00001; gnomAD 0.00001; TOPMed 0.00001.
gnomAD v4.1: 2 of 1,614,116 alleles (0.00012%); highest among the groups gnomAD compares: African/African-American, 0.0027%; no homozygotes.

Submissions (2):

Ambry Genetics
Classification: Uncertain significance for Cardiovascular phenotype. Last evaluated: 2022-07-06. Review status: criteria provided, single submitter. Criteria: Ambry Variant Classification Scheme 2023. Collection method: clinical testing. Allele origin: germline.
Comment: The p.F473L variant (also known as c.1419T>G), located in coding exon 1 of the DOLK gene, results from a T to G substitution at nucleotide position 1419. The phenylalanine at codon 473 is replaced by leucine, an amino acid with highly similar properties. This amino acid position is conserved. In addition, this alteration is predicted to be tolerated by in silico analysis. Since supporting evidence is limited at this time, the clinical significance of this alteration remains unclear.

Labcorp Genetics (formerly Invitae), Labcorp
Classification: Uncertain significance for DK1-congenital disorder of glycosylation. Last evaluated: 2022-05-30. Review status: criteria provided, single submitter. Criteria: Invitae Variant Classification Sherloc (09022015). Collection method: clinical testing. Allele origin: germline.
Comment: In summary, the available evidence is currently insufficient to determine the role of this variant in disease. Therefore, it has been classified as a Variant of Uncertain Significance. Algorithms developed to predict the effect of missense changes on protein structure and function output the following: SIFT: "Tolerated"; PolyPhen-2: "Benign"; Align-GVGD: "Class C0". The leucine amino acid residue is found in multiple mammalian species, which suggests that this missense change does not adversely affect protein function. ClinVar contains an entry for this variant (Variation ID: 1010141). This variant has not been reported in the literature in individuals affected with DOLK-related conditions. This variant is present in population databases (rs780799327, gnomAD 0.007%). This sequence change replaces phenylalanine, which is neutral and non-polar, with leucine, which is neutral and non-polar, at codon 473 of the DOLK protein (p.Phe473Leu).

NM_014908.4(DOLK):c.1419T>G (p.Phe473Leu)

Gene: DOLK (dolichol kinase; minus strand). Cytogenetic location: 9q34.11.
Variant type: single nucleotide variant.
Coding change: c.1419T>G on transcript NM_014908.4 (MANE Select); coding-DNA position 1419, T replaced by G.
Protein change: p.Phe473Leu; replaces phenylalanine 473 with leucine.
Molecular consequence: missense variant.
Genome position (GRCh38, 1-based): chr9:128,945,885, A>C on the plus strand (T>G on the coding strand, the complement: DOLK is on the minus strand). VCF-style: chr9-128945885-A-C. GRCh37 (hg19) VCF-style: chr9-131708164-A-C.
Other names: short protein forms F473L.
Identifiers: ClinVar variation 1010141 (VCV001010141.9), dbSNP rs780799327, ClinGen allele CA5271571.